The following is an entry in ClinVar:

ClinVar aggregate classification (germline): Uncertain significance (1 of 4 stars; one submission).

Allele frequency attached by ClinVar (database versions not stated): ESP Exome Variant Server 0.00015; ExAC 0.00016; gnomAD 0.00023; TOPMed 0.00025; gnomAD exomes 0.00050.

Submissions (2):

CeGaT Center for Human Genetics Tuebingen
Classification: Uncertain significance. Last evaluated: 2023-08-01. Review status: criteria provided, single submitter. Criteria: CeGaT Center For Human Genetics Tuebingen Variant Classification Criteria Version 2. Collection method: clinical testing. Allele origin: germline. Affected: yes. Observed: 1 variant allele.
Comment: ABCA7: PS4:Moderate

Dr. Peter K. Rogan Lab, Western University
No classification provided (evidence only). Condition: Cholangiocarcinoma. Review status: no classification provided. Collection method: in vitro. Allele origin: not applicable. Functional consequence: skipped exon, retained intron. Not counted in ClinVar's aggregate classification.

NM_019112.4(ABCA7):c.4416+2T>G

Gene: ABCA7 (ATP binding cassette subfamily A member 7; plus strand). Cytogenetic location: 19p13.3.
Variant type: single nucleotide variant.
Coding change: c.4416+2T>G on transcript NM_019112.4 (MANE Select); the canonical splice donor site of the intron after coding-DNA position 4416, T replaced by G.
Molecular consequence: splice donor variant.
Genome position (GRCh38, 1-based): chr19:1,056,245, T>G. VCF-style: chr19-1056245-T-G. GRCh37 (hg19) VCF-style: chr19-1056244-T-G.
Other names: NC_000019.9:g.1056244T>G.
Identifiers: ClinVar variation 2648895 (VCV002648895.25), dbSNP rs113809142, ClinGen allele CA9034464.